The following is an entry in ClinVar:

ClinVar aggregate classification (germline): Uncertain significance (1 of 4 stars; one submission).

Allele frequency attached by ClinVar (database versions not stated): gnomAD exomes below 0.00001.

Submission:

GeneDx
Classification: Uncertain significance. Last evaluated: 2017-06-16. Review status: criteria provided, single submitter. Criteria: GeneDx Variant Classification (06012015). Collection method: clinical testing. Allele origin: germline. Affected: yes.
Comment: The W129X variant in the GJB3 gene has not been reported previously as a pathogenic variant nor as a benign variant, to our knowledge. This variant is predicted to cause loss of normal protein function through protein truncation, however, loss of function is not a well established mechanism of disease for GJB3-related disorders (Richard, 2005). The W129X variant is not observed in large population cohorts (Lek et al., 2016; 1000 Genomes Consortium et al., 2015; Exome Variant Server). We interpret W129X as a variant of uncertain significance.

NM_024009.3(GJB3):c.386G>A (p.Trp129Ter)

Gene: GJB3 (gap junction protein beta 3; plus strand). Cytogenetic location: 1p34.3.
Variant type: single nucleotide variant.
Coding change: c.386G>A on transcript NM_024009.3 (MANE Select); coding-DNA position 386, G replaced by A.
Protein change: p.Trp129Ter; replaces tryptophan 129 with a stop codon.
Molecular consequence: nonsense.
Genome position (GRCh38, 1-based): chr1:34,785,148, G>A. VCF-style: chr1-34785148-G-A. GRCh37 (hg19) VCF-style: chr1-35250749-G-A.
Other names: c.386G>A, p.Trp129Ter (NM_001005752.2); short protein forms W129*.
Identifiers: ClinVar variation 432760 (VCV000432760.2), dbSNP rs1288502406, ClinGen allele CA339313667.